The following is an entry in ClinVar:

NM_001113491.2(SEPTIN9):c.1406G>T (p.Gly469Val)

Gene: SEPTIN9 (septin 9; plus strand). Cytogenetic location: 17q25.3.
Variant type: single nucleotide variant.
Coding change: c.1406G>T on transcript NM_001113491.2 (MANE Select); coding-DNA position 1406, G replaced by T.
Protein change: p.Gly469Val; replaces glycine 469 with valine.
Molecular consequence: missense variant.
Genome position (GRCh38, 1-based): chr17:77,492,646, G>T. VCF-style: chr17-77492646-G-T. GRCh37 (hg19) VCF-style: chr17-75488728-G-T.
Other names: c.914G>T, p.Gly305Val (NM_001113492.2, NM_001113494.1); c.1385G>T, p.Gly462Val (NM_001113493.2); c.653G>T, p.Gly218Val (NM_001113495.2, NM_001113496.2, NM_001293697.2 and 1 more transcripts); c.1349G>T, p.Gly450Val (NM_001293695.2); c.734G>T, p.Gly245Val (NM_001293696.2); c.1352G>T, p.Gly451Val (NM_006640.5); short protein forms G305V, G245V, G218V, G450V, G451V, G462V, G469V.
Identifiers: ClinVar variation 2710183 (VCV002710183.3), dbSNP rs752437682, ClinGen allele CA401209717.
Genomic context (GRCh38, chr17:77,492,646, plus strand): 5'-AGGGATGGGCCCATCTCTCTCCCTCCTTATCCCAGATCACCGCAGACCTGCTGTCCAACG[G>T]CATCGACGTGTACCCCCAGAAGGAATTTGATGAGGACTCGGAGGACCGGCTGGTGAACGA-3'
Protein context (NP_001106963.1, residues 459-479): QRITADLLSN[Gly469Val]IDVYPQKEFD

ClinVar aggregate classification (germline): Uncertain significance (1 of 4 stars; one submission).

gnomAD v4.1: 1 of 1,614,116 alleles (0.000062%); highest among the groups gnomAD compares: Non-Finnish European, 0.000085%; no homozygotes.

Submission:

Labcorp Genetics (formerly Invitae), Labcorp
Classification: Uncertain significance. Last evaluated: 2024-01-19. Review status: criteria provided, single submitter. Criteria: Invitae Variant Classification Sherloc (09022015). Collection method: clinical testing. Allele origin: germline.
Comment: This sequence change replaces glycine, which is neutral and non-polar, with valine, which is neutral and non-polar, at codon 451 of the SEPT9 protein (p.Gly451Val). This variant is not present in population databases (gnomAD no frequency). This variant has not been reported in the literature in individuals affected with SEPT9-related conditions. Advanced modeling of protein sequence and biophysical properties (such as structural, functional, and spatial information, amino acid conservation, physicochemical variation, residue mobility, and thermodynamic stability) performed at Invitae indicates that this missense variant is not expected to disrupt SEPT9 protein function with a negative predictive value of 80%. In summary, the available evidence is currently insufficient to determine the role of this variant in disease. Therefore, it has been classified as a Variant of Uncertain Significance.